The following is an entry in ClinVar:

NM_018896.5(CACNA1G):c.2508C>G (p.Phe836Leu)

Gene: CACNA1G (calcium voltage-gated channel subunit alpha1 G; plus strand). Cytogenetic location: 17q21.33.
Variant type: single nucleotide variant.
Coding change: c.2508C>G on transcript NM_018896.5 (MANE Select); coding-DNA position 2508, C replaced by G.
Protein change: p.Phe836Leu; replaces phenylalanine 836 with leucine.
Molecular consequence: missense variant. On other transcripts: non-coding transcript variant (5).
Genome position (GRCh38, 1-based): chr17:50,591,489, C>G. VCF-style: chr17-50591489-C-G. GRCh37 (hg19) VCF-style: chr17-48668850-C-G.
Other names: c.2508C>G, p.Phe836Leu (NM_001256325.2, NM_001256326.2, NM_001256327.2 and 24 more transcripts); c.2508C>G (NM_018896.3); short protein forms F836L.
Identifiers: ClinVar variation 2444537 (VCV002444537.5), dbSNP rs2545219106, ClinGen allele CA400248276.

ClinVar aggregate classification (germline): Uncertain significance. Review status: criteria provided, multiple submitters, no conflicts (2 of 4 stars). 3 submissions from 3 submitters: Uncertain significance (3). Last evaluated 2026-03-27.

Conditions:
Inborn genetic diseases. Identifiers: MedGen C0950123, MeSH D030342.

Submissions (3):

Ambry Genetics
Classification: Uncertain significance for Inborn genetic diseases. Last evaluated: 2026-03-27. Review status: criteria provided, single submitter. Criteria: Ambry Variant Classification Scheme 2023. Collection method: clinical testing. Allele origin: germline.

Labcorp Genetics (formerly Invitae), Labcorp
Classification: Uncertain significance. Last evaluated: 2024-03-19. Review status: criteria provided, single submitter. Criteria: Invitae Variant Classification Sherloc (09022015). Collection method: clinical testing. Allele origin: germline.
Comment: This sequence change replaces phenylalanine, which is neutral and non-polar, with leucine, which is neutral and non-polar, at codon 836 of the CACNA1G protein (p.Phe836Leu). This variant is not present in population databases (gnomAD no frequency). This variant has not been reported in the literature in individuals affected with CACNA1G-related conditions. ClinVar contains an entry for this variant (Variation ID: 2444537). Advanced modeling of protein sequence and biophysical properties (such as structural, functional, and spatial information, amino acid conservation, physicochemical variation, residue mobility, and thermodynamic stability) has been performed at Invitae for this missense variant, however the output from this modeling did not meet the statistical confidence thresholds required to predict the impact of this variant on CACNA1G protein function. In summary, the available evidence is currently insufficient to determine the role of this variant in disease. Therefore, it has been classified as a Variant of Uncertain Significance.

GeneDx
Classification: Uncertain significance. Last evaluated: 2023-08-08. Review status: criteria provided, single submitter. Criteria: GeneDx Variant Classification Process June 2021. Collection method: clinical testing. Allele origin: germline.
Comment: Not observed at significant frequency in large population cohorts (gnomAD); In silico analysis supports that this missense variant has a deleterious effect on protein structure/function; Has not been previously published as pathogenic or benign to our knowledge